The following is an entry in ClinVar:

ClinVar aggregate classification (germline): Uncertain significance. Review status: criteria provided, multiple submitters, no conflicts (2 of 4 stars). 4 submissions from 4 submitters: Uncertain significance (4). Last evaluated 2024-08-08.

Conditions:
Inborn genetic diseases. Identifiers: MedGen C0950123, MeSH D030342.
Nemaline myopathy 2 (NEM2). Also called: Nemaline myopathy 2, autosomal recessive. Identifiers: MedGen C1850569, MONDO:0009725, OMIM 256030.

Allele frequency attached by ClinVar (database versions not stated): 1000 Genomes Project 0.00020; 1000 Genomes Project 30x 0.00031.
gnomAD v4.1: 16 of 1,572,468 alleles (0.001%); highest among the groups gnomAD compares: East Asian, 0.016%; no homozygotes.

Submissions (4):

GeneDx
Classification: Uncertain significance. Last evaluated: 2024-08-08. Review status: criteria provided, single submitter. Criteria: GeneDx Variant Classification Process June 2021. Collection method: clinical testing. Allele origin: germline. Affected: yes.
Comment: Not observed at significant frequency in large population cohorts (gnomAD); In silico analysis indicates that this missense variant does not alter protein structure/function; Has not been previously published as pathogenic or benign to our knowledge

Ambry Genetics
Classification: Uncertain significance for Inborn genetic diseases. Last evaluated: 2023-12-09. Review status: criteria provided, single submitter. Criteria: Ambry Variant Classification Scheme 2023. Collection method: clinical testing. Allele origin: germline.

Labcorp Genetics (formerly Invitae), Labcorp
Classification: Uncertain significance for Nemaline myopathy 2. Last evaluated: 2022-08-09. Review status: criteria provided, single submitter. Criteria: Invitae Variant Classification Sherloc (09022015). Collection method: clinical testing. Allele origin: germline.
Comment: This sequence change replaces aspartic acid, which is acidic and polar, with asparagine, which is neutral and polar, at codon 945 of the NEB protein (p.Asp945Asn). This variant is present in population databases (rs549231016, gnomAD 0.009%). This variant has not been reported in the literature in individuals affected with NEB-related conditions. Algorithms developed to predict the effect of missense changes on protein structure and function are either unavailable or do not agree on the potential impact of this missense change (SIFT: "Deleterious"; PolyPhen-2: "Not Available"; Align-GVGD: "Class C0"). In summary, the available evidence is currently insufficient to determine the role of this variant in disease. Therefore, it has been classified as a Variant of Uncertain Significance.

Revvity Omics, Revvity
Classification: Uncertain significance. Last evaluated: 2022-05-18. Review status: criteria provided, single submitter. Criteria: ACMG Guidelines, 2015. Collection method: clinical testing. Allele origin: germline.

NM_001164508.2(NEB):c.2833G>A (p.Asp945Asn)

Gene: NEB (nebulin; minus strand). Cytogenetic location: 2q23.3.
Variant type: single nucleotide variant.
Coding change: c.2833G>A on transcript NM_001164508.2 (MANE Select); coding-DNA position 2833, G replaced by A.
Protein change: p.Asp945Asn; replaces aspartic acid 945 with asparagine.
Molecular consequence: missense variant.
Genome position (GRCh38, 1-based): chr2:151,684,780, C>T on the plus strand (G>A on the coding strand, the complement: NEB is on the minus strand). VCF-style: chr2-151684780-C-T. GRCh37 (hg19) VCF-style: chr2-152541294-C-T.
Other names: c.2833G>A, p.Asp945Asn (NM_001164507.2, NM_001271208.2, NM_004543.5); c.2833G>A (NM_004543.4); short protein forms D945N.
Identifiers: ClinVar variation 2140089 (VCV002140089.6), dbSNP rs549231016, ClinGen allele CA1911113.
Genomic context (GRCh38, chr2:151,684,780, plus strand): 5'-AGTCCATTTCAGTTTCCATCTTTTTAAAAGAGGGGCTACAGAAACCCTGGTTACTCACAT[C>T]GCTCTGCAGCGCATATGCCTTCTTGGCAAGGTCCACATTGATGCTATCAGGGGGGTAGCT-3'
Protein context (NP_001157980.2, residues 935-955): LAKKAYALQS[Asp945Asn]VEYKADYNSW